The following is an entry in ClinVar:

NM_000138.5(FBN1):c.306C>T (p.Cys102=)

Gene: FBN1 (fibrillin 1; minus strand). Cytogenetic location: 15q21.1.
Variant type: single nucleotide variant.
Coding change: c.306C>T on transcript NM_000138.5 (MANE Select); coding-DNA position 306, C replaced by T.
Protein change: p.Cys102=; no amino-acid change (cysteine 102 retained).
Molecular consequence: synonymous variant.
Genome position (GRCh38, 1-based): chr15:48,610,768, G>A on the plus strand (C>T on the coding strand, the complement: FBN1 is on the minus strand). VCF-style: chr15-48610768-G-A. GRCh37 (hg19) VCF-style: chr15-48902965-G-A.
Other names: p.C102C:TGC>TGT; p.Cys102=.
Identifiers: ClinVar variation 137314 (VCV000137314.79), dbSNP rs25388, ClinGen allele CA013747.

ClinVar aggregate classification (germline): Benign/Likely benign. Review status: criteria provided, multiple submitters, no conflicts (2 of 4 stars). 26 submissions from 20 submitters: Benign (17); Likely benign (6). 3 of the submissions do not count toward it. Last evaluated 2026-09-01.

Conditions:
Connective tissue disorder. Also called: Connective tissue disease. Identifiers: MedGen C0009782, MONDO:0003900.
Weill-Marchesani syndrome. Also called: WM Syndrome; Mesodermal dysmorphodystrophy congenital. Identifiers: Orphanet 3449, MedGen C0265313, MONDO:0018096.
Geleophysic dysplasia. Identifiers: Orphanet 2623, MedGen C3489726, MONDO:0000127.
Marfan syndrome (MFS). Also called: Marfan syndrome, classic; FBN1-Related Marfan Syndrome; MARFAN SYNDROME, TYPE I; Marfan syndrome type 1; Marfan's syndrome. Identifiers: Orphanet 284963, Orphanet 558, MedGen C0024796, MONDO:0007947, OMIM 154700.
Familial thoracic aortic aneurysm and aortic dissection (TAAD). Also called: Thoracic aortic aneurysms and dissections. Identifiers: Orphanet 91387, MedGen C4707243, MONDO:0019625.
Acromicric dysplasia (ACMICD). Also called: Acromicric skeletal dysplasia. Identifiers: Orphanet 969, MedGen C0265287, MONDO:0007055, OMIM 102370.
Ectopia lentis 1, isolated, autosomal dominant (ECTOL1). Identifiers: Orphanet 1885, MedGen C3541518, MONDO:0007514, OMIM 129600.
Stiff skin syndrome (SSKS). Identifiers: Orphanet 2833, MedGen C1861456, MONDO:0008492, OMIM 184900.

Allele frequency attached by ClinVar (database versions not stated): 1000 Genomes Project 30x 0.00062; 1000 Genomes Project 0.00080; TOPMed 0.00341; gnomAD 0.00356 and 0.00372; gnomAD exomes 0.00374 and 0.00500; ExAC 0.00409; ESP Exome Variant Server 0.00493.
gnomAD v4.1: 7,827 of 1,614,062 alleles (0.48%); highest among the groups gnomAD compares: Non-Finnish European, 0.58%; 29 homozygotes.

Submissions (26):

CeGaT Center for Human Genetics Tuebingen
Classification: Benign. Last evaluated: 2026-09-01. Review status: criteria provided, single submitter. Criteria: CeGaT Center For Human Genetics Tuebingen Variant Classification Criteria Version 2. Collection method: clinical testing. Allele origin: germline. Affected: yes. Observed: 47 variant alleles.
Comment: FBN1: BP4, BS1, BS2

Labcorp Genetics (formerly Invitae), Labcorp
Classification: Benign for Marfan syndrome; Familial thoracic aortic aneurysm and aortic dissection. Last evaluated: 2026-02-04. Review status: criteria provided, single submitter. Criteria: Invitae Variant Classification Sherloc (09022015). Collection method: clinical testing. Allele origin: germline.

ARUP Laboratories, Molecular Genetics and Genomics, ARUP Laboratories
Classification: Benign. Last evaluated: 2025-04-11. Review status: criteria provided, single submitter. Criteria: ARUP Molecular Germline Variant Investigation Process 2024. Collection method: clinical testing. Allele origin: germline.

Molecular Diagnostic Laboratory for Inherited Cardiovascular Disease, Montreal Heart Institute
Classification: Benign. Last evaluated: 2025-04-09. Review status: criteria provided, single submitter. Criteria: ACMG Guidelines, 2015. Collection method: clinical testing. Allele origin: germline. Affected: no.
Comment: BS1;BP6;BP7

Blueprint Genetics
Classification: Likely benign. Last evaluated: 2024-11-23. Review status: criteria provided, single submitter. Criteria: ACMG Guidelines, 2015. Collection method: clinical testing. Allele origin: germline.

Mayo Clinic Laboratories, Mayo Clinic
Classification: Benign. Last evaluated: 2023-03-29. Review status: criteria provided, single submitter. Criteria: ACMG Guidelines, 2015. Collection method: clinical testing. Allele origin: germline. Observed: 20 variant alleles.
Comment: BA1, BP4, BP7

Genome Diagnostics Laboratory, The Hospital for Sick Children
Classification: Likely benign for Connective tissue disorder. Last evaluated: 2020-06-01. Review status: criteria provided, single submitter. Criteria: ACMG Guidelines, 2015. Collection method: clinical testing. Allele origin: germline.

Color Diagnostics, LLC DBA Color Health
Classification: Benign for Familial thoracic aortic aneurysm and aortic dissection. Last evaluated: 2018-03-08. Review status: criteria provided, single submitter. Criteria: ACMG Guidelines, 2015. Collection method: clinical testing. Allele origin: germline.

Illumina Laboratory Services, Illumina
Classification: Benign for Geleophysic dysplasia. Last evaluated: 2018-01-13. Review status: criteria provided, single submitter. Criteria: ICSL Variant Classification Criteria 13 December 2019. Collection method: clinical testing. Allele origin: germline.
Comment: This variant was observed in the ICSL laboratory as part of a predisposition screen in an ostensibly healthy population. It had not been previously curated by ICSL or reported in the Human Gene Mutation Database (HGMD: prior to June 1st, 2018), and was therefore a candidate for classification through an automated scoring system. Utilizing variant allele frequency, disease prevalence and penetrance estimates, and inheritance mode, an automated score was calculated to assess if this variant is too frequent to cause the disease. Based on the score and internal cut-off values, a variant classified as benign is not then subjected to further curation. The score for this variant resulted in a classification of benign for this disease.

Illumina Laboratory Services, Illumina
Classification: Benign for Stiff skin syndrome. Last evaluated: 2018-01-13. Review status: criteria provided, single submitter. Criteria: ICSL Variant Classification Criteria 13 December 2019. Collection method: clinical testing. Allele origin: germline.
Comment: the same text as in the submission from Illumina Laboratory Services, Illumina above.

Illumina Laboratory Services, Illumina
Classification: Benign for Acromicric dysplasia. Last evaluated: 2018-01-13. Review status: criteria provided, single submitter. Criteria: ICSL Variant Classification Criteria 13 December 2019. Collection method: clinical testing. Allele origin: germline.
Comment: the same text as in the submission from Illumina Laboratory Services, Illumina above.

Illumina Laboratory Services, Illumina
Classification: Benign for Ectopia lentis 1, isolated, autosomal dominant. Last evaluated: 2018-01-13. Review status: criteria provided, single submitter. Criteria: ICSL Variant Classification Criteria 13 December 2019. Collection method: clinical testing. Allele origin: germline.
Comment: the same text as in the submission from Illumina Laboratory Services, Illumina above.

Illumina Laboratory Services, Illumina
Classification: Benign for Marfan syndrome. Last evaluated: 2018-01-13. Review status: criteria provided, single submitter. Criteria: ICSL Variant Classification Criteria 13 December 2019. Collection method: clinical testing. Allele origin: germline.
Comment: the same text as in the submission from Illumina Laboratory Services, Illumina above.

Illumina Laboratory Services, Illumina
Classification: Likely benign for Familial thoracic aortic aneurysm and aortic dissection. Last evaluated: 2018-01-13. Review status: criteria provided, single submitter. Criteria: ICSL Variant Classification Criteria 13 December 2019. Collection method: clinical testing. Allele origin: germline.
Comment: This variant was observed in the ICSL laboratory as part of a predisposition screen in an ostensibly healthy population. It had not been previously curated by ICSL or reported in the Human Gene Mutation Database (HGMD: prior to June 1st, 2018), and was therefore a candidate for classification through an automated scoring system. Utilizing variant allele frequency, disease prevalence and penetrance estimates, and inheritance mode, an automated score was calculated to assess if this variant is too frequent to cause the disease. Based on the score and internal cut-off values, a variant classified as likely benign is not then subjected to further curation. The score for this variant resulted in a classification of likely benign for this disease.

Illumina Laboratory Services, Illumina
Classification: Benign for Weill-Marchesani syndrome. Last evaluated: 2018-01-13. Review status: criteria provided, single submitter. Criteria: ICSL Variant Classification Criteria 13 December 2019. Collection method: clinical testing. Allele origin: germline.
Comment: the same text as in the submission from Illumina Laboratory Services, Illumina above.

Center for Human Genetics, Inc
Classification: Likely benign for Connective tissue disorder. Last evaluated: 2016-11-01. Review status: criteria provided, single submitter. Criteria: ACMG Guidelines, 2015. Collection method: clinical testing. Allele origin: germline. Affected: yes.

CHEO Genetics Diagnostic Laboratory, Children's Hospital of Eastern Ontario
Classification: Benign for Familial thoracic aortic aneurysm and aortic dissection. Last evaluated: 2016-09-19. Review status: criteria provided, single submitter. Criteria: ACMG Guidelines, 2015. Collection method: clinical testing. Allele origin: germline. Study: Canadian Open Genetics Repository.

Eurofins Ntd Llc (ga)
Classification: Benign. Last evaluated: 2016-06-30. Review status: criteria provided, single submitter. Criteria: EGL Classification Definitions 2015. Collection method: clinical testing. Allele origin: germline. Observed: 1 variant allele, 1 heterozygote.

Ambry Genetics
Classification: Likely benign for Familial thoracic aortic aneurysm and aortic dissection. Last evaluated: 2014-12-24. Review status: criteria provided, single submitter. Criteria: Ambry Variant Classification Scheme 2023. Collection method: clinical testing. Allele origin: germline.

GeneDx
Classification: Benign. Last evaluated: 2013-06-19. Review status: criteria provided, single submitter. Criteria: GeneDx Variant Classification (06012015). Collection method: clinical testing. Allele origin: germline. Affected: yes.
Comment: This variant is considered likely benign or benign based on one or more of the following criteria: it is a conservative change, it occurs at a poorly conserved position in the protein, it is predicted to be benign by multiple in silico algorithms, and/or has population frequency not consistent with disease.

Laboratory for Molecular Medicine, Mass General Brigham Personalized Medicine
Classification: Benign. Last evaluated: 2011-07-01. Review status: criteria provided, single submitter. Criteria: LMM Criteria. Collection method: clinical testing. Allele origin: germline. Observed: 6 variant alleles.
Comment: Cys102Cys in Exon 03 of FBN1: This variant is not expected to have clinical sign ificance because it does not alter an amino acid residue, is not located within the splice consensus sequence and has been identified in 0.7% (52/7020) of Europ ean American chromosomes from a broad population by the NHLBI Exome Sequencing P roject (dbSNP rs25388).

Breakthrough Genomics
Classification: Likely benign. Review status: criteria provided, single submitter. Criteria: ACMG Guidelines, 2015. Collection method: not provided. Allele origin: germline. Inheritance: Autosomal dominant inheritance. Affected: yes.

PreventionGenetics, part of Exact Sciences
Classification: Benign. Review status: criteria provided, single submitter. Criteria: ACMG Guidelines, 2015. Collection method: clinical testing. Allele origin: germline.

Clinical Genetics DNA and cytogenetics Diagnostics Lab, Erasmus MC, Erasmus Medical Center
Classification: Likely benign. Review status: no assertion criteria provided. Collection method: clinical testing. Allele origin: germline. Affected: yes. Study: VKGL Data-share Consensus. Not counted in ClinVar's aggregate classification.

Genome Diagnostics Laboratory, Amsterdam University Medical Center
Classification: Benign. Review status: no assertion criteria provided. Collection method: clinical testing. Allele origin: germline. Affected: yes. Study: VKGL Data-share Consensus. Not counted in ClinVar's aggregate classification.

Laboratory of Diagnostic Genome Analysis, Leiden University Medical Center (LUMC)
Classification: Likely benign. Review status: no assertion criteria provided. Collection method: clinical testing. Allele origin: germline. Affected: yes. Study: VKGL Data-share Consensus. Not counted in ClinVar's aggregate classification.

Literature cited by the submitters: PubMed 12161601 (cited by Laboratory for Molecular Medicine, Mass General Brigham Personalized Medicine); PubMed 11933199 (cited by Laboratory for Molecular Medicine, Mass General Brigham Personalized Medicine); PubMed 16220557 (cited by Laboratory for Molecular Medicine, Mass General Brigham Personalized Medicine).